The following is an entry in ClinVar:

ClinVar aggregate classification (germline): Benign/Likely benign. Review status: criteria provided, multiple submitters, no conflicts (2 of 4 stars). 16 submissions from 15 submitters: Benign (6); Likely benign (6). 4 of the submissions do not count toward it. Last evaluated 2026-02-04.

Conditions:
Autosomal recessive nonsyndromic hearing loss 4 (DFNB4). Also called: Nonsyndromic enlarged vestibular aqueduct (NSEVA); FOXI1-Related Pendred Syndrome; KCNJ10-Related Pendred Syndrome; Deafness, autosomal recessive 4, with enlarged vestibular aqueduct; DEAFNESS, AUTOSOMAL RECESSIVE 4, WITH ENLARGED VESTIBULAR AQUEDUCT, DIGENIC; NEUROSENSORY NONSYNDROMIC RECESSIVE DEAFNESS 4. Identifiers: Orphanet 90636, MedGen C3538946, MONDO:0010933, OMIM 600791.
Pendred syndrome (PDS). Also called: Pendred's syndrome; DEAFNESS WITH GOITER; GOITER-DEAFNESS SYNDROME; HYPOTHYROIDISM, CONGENITAL, DUE TO DYSHORMONOGENESIS, 2B; Pendred Syndrome (PDS); THYROID DYSHORMONOGENESIS 2B. Identifiers: Orphanet 705, MedGen C0271829, MONDO:0010134, OMIM 274600.

Allele frequency attached by ClinVar (database versions not stated): gnomAD exomes 0.00405 and 0.01074; ExAC 0.01318; gnomAD 0.04097 and 0.04399; 1000 Genomes Project 0.04573; 1000 Genomes Project 30x 0.04575; TOPMed 0.04579; ESP Exome Variant Server 0.04890.

Submissions (16):

Labcorp Genetics (formerly Invitae), Labcorp
Classification: Benign. Last evaluated: 2026-02-04. Review status: criteria provided, single submitter. Criteria: Invitae Variant Classification Sherloc (09022015). Collection method: clinical testing. Allele origin: germline.

ARUP Laboratories, Molecular Genetics and Genomics, ARUP Laboratories
Classification: Benign. Last evaluated: 2023-11-29. Review status: criteria provided, single submitter. Criteria: ARUP Molecular Germline Variant Investigation Process 2024. Collection method: clinical testing. Allele origin: germline.

Fulgent Genetics
Classification: Likely benign for Pendred syndrome; Autosomal recessive nonsyndromic hearing loss 4. Last evaluated: 2022-05-06. Review status: criteria provided, single submitter. Criteria: ACMG Guidelines, 2015. Collection method: clinical testing. Allele origin: unknown.

Women's Health and Genetics/Laboratory Corporation of America, LabCorp
Classification: Likely benign. Last evaluated: 2021-12-10. Review status: criteria provided, single submitter. Criteria: LabCorp Variant Classification Summary - May 2015. Collection method: clinical testing. Allele origin: germline.

Mayo Clinic Laboratories, Mayo Clinic
Classification: Benign. Last evaluated: 2021-10-01. Review status: criteria provided, single submitter. Criteria: ACMG Guidelines, 2015. Collection method: clinical testing. Allele origin: germline. Observed: 7 variant alleles.
Comment: BA1, BS1, BS2

GeneDx
Classification: Likely benign. Last evaluated: 2021-05-20. Review status: criteria provided, single submitter. Criteria: GeneDx Variant Classification Process June 2021. Collection method: clinical testing. Allele origin: germline. Affected: yes.
Comment: This variant is associated with the following publications: (PMID: 20981092, 27884173, 29739340, 22116359, 15689455, 19017801, 22389666, 25262649, 23273637, 30245029, 26886089, 23280318, 19204907, 30068397, 31656273)

Athena Diagnostics
Classification: Benign. Last evaluated: 2018-05-23. Review status: criteria provided, single submitter. Criteria: Athena Diagnostics Criteria. Collection method: clinical testing. Allele origin: germline.

Illumina Laboratory Services, Illumina
Classification: Likely benign for Autosomal recessive nonsyndromic hearing loss 4. Last evaluated: 2017-04-27. Review status: criteria provided, single submitter. Criteria: ICSL Variant Classification Criteria 13 December 2019. Collection method: clinical testing. Allele origin: germline.
Comment: This variant was observed as part of a predisposition screen in an ostensibly healthy population. A literature search was performed for the gene, cDNA change, and amino acid change (where applicable). Publications were found based on this search. The evidence from the literature, in combination with allele frequency data from public databases where available, was sufficient to determine this variant is unlikely to cause disease. Therefore, this variant is classified as likely benign.

Illumina Laboratory Services, Illumina
Classification: Likely benign for Pendred syndrome. Last evaluated: 2017-04-27. Review status: criteria provided, single submitter. Criteria: ICSL Variant Classification Criteria 13 December 2019. Collection method: clinical testing. Allele origin: germline.
Comment: the same text as in the submission from Illumina Laboratory Services, Illumina above.

Eurofins Ntd Llc (ga)
Classification: Benign. Last evaluated: 2016-04-07. Review status: criteria provided, single submitter. Criteria: EGL Classification Definitions 2015. Collection method: clinical testing. Allele origin: germline. Observed: 1 variant allele, 1 heterozygote.

Laboratory for Molecular Medicine, Mass General Brigham Personalized Medicine
Classification: Benign. Last evaluated: 2008-04-23. Review status: criteria provided, single submitter. Criteria: LMM Criteria. Collection method: clinical testing. Allele origin: germline. Observed: 68 variant alleles.

Breakthrough Genomics
Classification: Likely benign. Review status: criteria provided, single submitter. Criteria: ACMG Guidelines, 2015. Collection method: not provided. Allele origin: germline. Inheritance: Autosomal recessive inheritance. Affected: yes.

Natera, Inc.
Classification: Benign for Pendred syndrome. Last evaluated: 2019-11-13. Review status: no assertion criteria provided. Collection method: clinical testing. Allele origin: germline. Not counted in ClinVar's aggregate classification.

Clinical Genetics DNA and cytogenetics Diagnostics Lab, Erasmus MC, Erasmus Medical Center
Classification: Benign. Review status: no assertion criteria provided. Collection method: clinical testing. Allele origin: germline. Affected: yes. Study: VKGL Data-share Consensus. Not counted in ClinVar's aggregate classification.

Clinical Genetics, Academic Medical Center
Classification: Benign. Review status: no assertion criteria provided. Collection method: clinical testing. Allele origin: germline. Affected: yes. Study: VKGL Data-share Consensus. Not counted in ClinVar's aggregate classification.

Joint Genome Diagnostic Labs from Nijmegen and Maastricht, Radboudumc and MUMC+
Classification: Benign. Review status: no assertion criteria provided. Collection method: clinical testing. Allele origin: germline. Affected: yes. Study: VKGL Data-share Consensus. Not counted in ClinVar's aggregate classification.

Literature cited by the submitters: PubMed 22116359 (cited by Illumina Laboratory Services, Illumina); PubMed 23273637 (cited by Illumina Laboratory Services, Illumina); PubMed 19017801 (cited by Illumina Laboratory Services, Illumina); PubMed 15689455 (cited by Illumina Laboratory Services, Illumina); PubMed 19204907 (cited by Illumina Laboratory Services, Illumina); PubMed 23185506 (cited by Illumina Laboratory Services, Illumina); PubMed 22389666 (cited by Illumina Laboratory Services, Illumina).

NM_000441.2(SLC26A4):c.1826T>G (p.Val609Gly)

Gene: SLC26A4 (solute carrier family 26 member 4; plus strand). Cytogenetic location: 7q22.3.
Variant type: single nucleotide variant.
Coding change: c.1826T>G on transcript NM_000441.2 (MANE Select); coding-DNA position 1826, T replaced by G.
Protein change: p.Val609Gly; replaces valine 609 with glycine.
Molecular consequence: missense variant.
Genome position (GRCh38, 1-based): chr7:107,701,849, T>G. VCF-style: chr7-107701849-T-G. GRCh37 (hg19) VCF-style: chr7-107342294-T-G.
Other names: short protein forms V609G.
Identifiers: ClinVar variation 43526 (VCV000043526.48), dbSNP rs17154335, ClinGen allele CA132683.